The following is an entry in ClinVar:

ClinVar aggregate classification (germline): Uncertain significance. Review status: criteria provided, multiple submitters, no conflicts (2 of 4 stars). 3 submissions from 3 submitters: Uncertain significance (3). Last evaluated 2026-08-24.

Conditions:
Cardiovascular phenotype. Identifiers: MedGen CN230736.
Atrioventricular septal defect 4 (AVSD4). Identifiers: MedGen C3280781, MONDO:0013747, OMIM 614430.

Allele frequency attached by ClinVar (database versions not stated): gnomAD 0.00001; ESP Exome Variant Server 0.00008; TOPMed 0.00002; gnomAD exomes 0.00001.
gnomAD v4.1: 13 of 1,614,114 alleles (0.00081%); highest among the groups gnomAD compares: African/African-American, 0.0013%; no homozygotes.

Submissions (3):

Ambry Genetics
Classification: Uncertain significance for Cardiovascular phenotype. Last evaluated: 2026-08-24. Review status: criteria provided, single submitter. Criteria: Ambry Variant Classification Scheme 2023. Collection method: clinical testing. Allele origin: germline.
Comment: The p.E213Q variant (also known as c.637G>C), located in coding exon 2 of the GATA4 gene, results from a G to C substitution at nucleotide position 637. The glutamic acid at codon 213 is replaced by glutamine, an amino acid with highly similar properties. This amino acid position is highly conserved in available vertebrate species. In addition, this alteration is predicted to be deleterious by in silico analysis. Based on the available evidence, the clinical significance of this variant remains unclear.

Labcorp Genetics (formerly Invitae), Labcorp
Classification: Uncertain significance for Atrioventricular septal defect 4. Last evaluated: 2025-10-27. Review status: criteria provided, single submitter. Criteria: Invitae Variant Classification Sherloc (09022015). Collection method: clinical testing. Allele origin: germline.
Comment: This sequence change replaces glutamic acid, which is acidic and polar, with glutamine, which is neutral and polar, at codon 213 of the GATA4 protein (p.Glu213Gln). This variant is not present in population databases (gnomAD no frequency). This variant has not been reported in the literature in individuals affected with GATA4-related conditions. ClinVar contains an entry for this variant (Variation ID: 1307486). Invitae Evidence Modeling of protein sequence and biophysical properties (such as structural, functional, and spatial information, amino acid conservation, physicochemical variation, residue mobility, and thermodynamic stability) has been performed for this missense variant. However, the output from this modeling did not meet the statistical confidence thresholds required to predict the impact of this variant on GATA4 protein function. In summary, the available evidence is currently insufficient to determine the role of this variant in disease. Therefore, it has been classified as a Variant of Uncertain Significance.

GeneDx
Classification: Uncertain significance. Last evaluated: 2019-03-04. Review status: criteria provided, single submitter. Criteria: GeneDx Variant Classification Process June 2021. Collection method: clinical testing. Allele origin: germline. Affected: yes.
Comment: Not observed in large population cohorts (Lek et al., 2016); In silico analysis, which includes protein predictors and evolutionary conservation, supports a deleterious effect; Has not been previously published as pathogenic or benign to our knowledge

NM_001308093.3(GATA4):c.640G>C (p.Glu214Gln)

Gene: GATA4 (GATA binding protein 4). Cytogenetic location: 8p23.1.
Variant type: single nucleotide variant.
Coding change: c.640G>C on transcript NM_001308093.3 (MANE Select); coding-DNA position 640, G replaced by C.
Protein change: p.Glu214Gln; replaces glutamic acid 214 with glutamine.
Molecular consequence: missense variant.
Genome position (GRCh38, 1-based): chr8:11,748,939, G>C. VCF-style: chr8-11748939-G-C. GRCh37 (hg19) VCF-style: chr8-11606448-G-C.
Other names: c.19G>C, p.Glu7Gln (NM_001308094.2, NM_001374273.1, NM_001374274.1); c.637G>C, p.Glu213Gln (NM_002052.5); short protein forms E213Q, E214Q, E7Q.
Identifiers: ClinVar variation 1307486 (VCV001307486.10), dbSNP rs370946998, ClinGen allele CA172113107.